The following is an entry in ClinVar:

ClinVar aggregate classification (germline): Uncertain significance (1 of 4 stars; one submission).

Conditions:
Familial isolated arrhythmogenic right ventricular dysplasia. Identifiers: Orphanet 217656, MedGen C4274968, MONDO:0016342.

Submission:

All of Us Research Program, National Institutes of Health
Classification: Uncertain significance for Familial isolated arrhythmogenic right ventricular dysplasia. Last evaluated: 2024-05-14. Review status: criteria provided, single submitter. Criteria: ACMG Guidelines, 2015. Collection method: clinical testing. Allele origin: germline. Inheritance: Autosomal dominant inheritance. Observed: 1 variant allele, 1 heterozygote.
Comment: This missense variant replaces methionine with isoleucine at codon 276 of the DSC2 protein. Computational prediction suggests that this variant may not impact protein structure and function (internally defined REVEL score threshold <= 0.5, PMID: 27666373). To our knowledge, functional studies have not been reported for this variant. This variant has not been reported in individuals affected with DSC2-related disorders in the literature. This variant has not been identified in the general population by the Genome Aggregation Database (gnomAD). The available evidence is insufficient to determine the role of this variant in disease conclusively. Therefore, this variant is classified as a Variant of Uncertain Significance.

This study involves interpretation of variants in research participants for the purpose of population health screening. Participant phenotype was not available at the time of variant classification. Additional details can be found in publication PMID: 35346344, PMCID: PMC8962531

NM_024422.6(DSC2):c.828G>A (p.Met276Ile)

Gene: DSC2 (desmocollin 2; minus strand). Cytogenetic location: 18q12.1.
Variant type: single nucleotide variant.
Coding change: c.828G>A on transcript NM_024422.6 (MANE Select); coding-DNA position 828, G replaced by A.
Protein change: p.Met276Ile; replaces methionine 276 with isoleucine.
Molecular consequence: missense variant.
Genome position (GRCh38, 1-based): chr18:31,086,690, C>T on the plus strand (G>A on the coding strand, the complement: DSC2 is on the minus strand). VCF-style: chr18-31086690-C-T. GRCh37 (hg19) VCF-style: chr18-28666653-C-T.
Other names: c.399G>A, p.Met133Ile (NM_001406506.1, NM_001406507.1); c.828G>A, p.Met276Ile (NM_004949.5); short protein forms M133I, M276I.
Identifiers: ClinVar variation 3386540 (VCV003386540.1).